The following is an entry in ClinVar:

NM_014694.4(ADAMTSL2):c.1213G>A (p.Glu405Lys)

Gene: ADAMTSL2 (ADAMTS like 2; plus strand). Cytogenetic location: 9q34.2.
Variant type: single nucleotide variant.
Coding change: c.1213G>A on transcript NM_014694.4 (MANE Select); coding-DNA position 1213, G replaced by A.
Protein change: p.Glu405Lys; replaces glutamic acid 405 with lysine.
Molecular consequence: missense variant.
Genome position (GRCh38, 1-based): chr9:133,554,630, G>A. VCF-style: chr9-133554630-G-A. GRCh37 (hg19) VCF-style: chr9-136419752-G-A.
Other names: c.1213G>A, p.Glu405Lys (NM_001145320.2); short protein forms E405K.
Identifiers: ClinVar variation 912905 (VCV000912905.9), dbSNP rs983037163, ClinGen allele CA200972348.

ClinVar aggregate classification (germline): Uncertain significance. Review status: criteria provided, multiple submitters, no conflicts (2 of 4 stars). 3 submissions from 3 submitters: Uncertain significance (3). Last evaluated 2025-09-18.

Conditions:
Inborn genetic diseases. Identifiers: MedGen C0950123, MeSH D030342.
Geleophysic dysplasia 1 (GPHYSD1). Also called: Geleophysic dwarfism. Identifiers: Orphanet 2623, MedGen C3278147, MONDO:0009269, OMIM 231050.

Allele frequency attached by ClinVar (database versions not stated): gnomAD 0.00002 and 0.00003; gnomAD exomes 0.00004 and 0.00012; TOPMed 0.00007.
gnomAD v4.1: 68 of 1,542,486 alleles (0.0044%); highest among the groups gnomAD compares: Middle Eastern, 0.02%; no homozygotes.

Submissions (3):

Women's Health and Genetics/Laboratory Corporation of America, LabCorp
Classification: Uncertain significance. Last evaluated: 2025-09-18. Review status: criteria provided, single submitter. Criteria: LabCorp Variant Classification Summary - May 2015. Collection method: clinical testing. Allele origin: germline.
Comment: Variant summary: ADAMTSL2 c.1213G>A (p.Glu405Lys) results in a conservative amino acid change in the encoded protein sequence. Algorithms developed to predict the effect of missense changes on protein structure and function are either unavailable or do not agree on the potential impact of this missense change. The variant allele was found at a frequency of 0.00012 in 57252 control chromosomes in the gnomAD database, including 2 homozygotes. The available data on variant occurrences in the general population are insufficient to allow any conclusion about variant significance. To our knowledge, no occurrence of c.1213G>A in individuals affected with ADAMTSL2-related conditions and no experimental evidence demonstrating its impact on protein function have been reported. ClinVar contains an entry for this variant (Variation ID: 912905). Based on the evidence outlined above, the variant was classified as uncertain significance.

Ambry Genetics
Classification: Uncertain significance for Inborn genetic diseases. Last evaluated: 2025-06-19. Review status: criteria provided, single submitter. Criteria: Ambry Variant Classification Scheme 2023. Collection method: clinical testing. Allele origin: germline.

Illumina Laboratory Services, Illumina
Classification: Uncertain significance for Geleophysic dysplasia 1. Last evaluated: 2017-04-27. Review status: criteria provided, single submitter. Criteria: ICSL Variant Classification Criteria 13 December 2019. Collection method: clinical testing. Allele origin: germline.